The following is an entry in ClinVar:

ClinVar aggregate classification (germline): Uncertain significance (1 of 4 stars; one submission).

Conditions:
X-linked immunodeficiency with magnesium defect, Epstein-Barr virus infection and neoplasia. Identifiers: Orphanet 317476, MedGen C3275445, MONDO:0010455, OMIM 300853.

Submission:

Labcorp Genetics (formerly Invitae), Labcorp
Classification: Uncertain significance for X-linked immunodeficiency with magnesium defect, Epstein-Barr virus infection and neoplasia. Last evaluated: 2023-03-08. Review status: criteria provided, single submitter. Criteria: Invitae Variant Classification Sherloc (09022015). Collection method: clinical testing. Allele origin: germline.
Comment: This sequence change replaces serine, which is neutral and polar, with arginine, which is basic and polar, at codon 292 of the MAGT1 protein (p.Ser292Arg). This variant is not present in population databases (gnomAD no frequency). This variant has not been reported in the literature in individuals affected with MAGT1-related conditions. Advanced modeling of protein sequence and biophysical properties (such as structural, functional, and spatial information, amino acid conservation, physicochemical variation, residue mobility, and thermodynamic stability) performed at Invitae indicates that this missense variant is not expected to disrupt MAGT1 protein function. In summary, the available evidence is currently insufficient to determine the role of this variant in disease. Therefore, it has been classified as a Variant of Uncertain Significance.

NM_001367916.1(MAGT1):c.780C>A (p.Ser260Arg)

Gene: MAGT1 (magnesium transporter 1; minus strand). Cytogenetic location: Xq21.1.
Variant type: single nucleotide variant.
Coding change: c.780C>A on transcript NM_001367916.1 (MANE Select); coding-DNA position 780, C replaced by A.
Protein change: p.Ser260Arg; replaces serine 260 with arginine.
Molecular consequence: missense variant.
Genome position (GRCh38, 1-based): chrX:77,853,947, G>T on the plus strand (C>A on the coding strand, the complement: MAGT1 is on the minus strand). VCF-style: chrX-77853947-G-T. GRCh37 (hg19) VCF-style: chrX-77109444-G-T.
Other names: c.876C>A, p.Ser292Arg (NM_032121.5); short protein forms S292R, S260R.
Identifiers: ClinVar variation 2843854 (VCV002843854.3), dbSNP rs2521990982, ClinGen allele CA413713295.